The following is an entry in ClinVar:

ClinVar aggregate classification (germline): Conflicting classifications of pathogenicity. Review status: criteria provided, conflicting classifications (1 of 4 stars). 3 submissions from 3 submitters: Uncertain significance (2); Likely benign (1). Last evaluated 2024-10-08.

Conditions:
Macular degeneration. Also called: Degenerative disorder of macula. Identifiers: MedGen C0024437, MONDO:0003004, HP:0000608.

Allele frequency attached by ClinVar (database versions not stated): gnomAD 0.00012 and 0.00016; TOPMed 0.00029; 1000 Genomes Project 30x 0.00047.
gnomAD v4.1: 57 of 1,113,298 alleles (0.0051%); highest among the groups gnomAD compares: East Asian, 0.28%; 1 homozygote.

Submissions (3):

Labcorp Genetics (formerly Invitae), Labcorp
Classification: Likely benign. Last evaluated: 2024-10-08. Review status: criteria provided, single submitter. Criteria: Invitae Variant Classification Sherloc (09022015). Collection method: clinical testing. Allele origin: germline.

Revvity Omics, Revvity
Classification: Uncertain significance. Last evaluated: 2021-06-17. Review status: criteria provided, single submitter. Criteria: ACMG Guidelines, 2015. Collection method: clinical testing. Allele origin: germline.

Illumina Laboratory Services, Illumina
Classification: Uncertain significance for Macular degeneration. Last evaluated: 2017-04-27. Review status: criteria provided, single submitter. Criteria: ICSL Variant Classification Criteria 13 December 2019. Collection method: clinical testing. Allele origin: germline.
Comment: This variant was observed as part of a predisposition screen in an ostensibly healthy population. A literature search was performed for the gene, cDNA change, and amino acid change (where applicable). Publications were found based on this search. However, the evidence from the literature, in combination with allele frequency data from public databases where available, was not sufficient to rule this variant in or out of causing disease. Therefore, this variant is classified as a variant of unknown significance.

Literature cited by the submitters: PubMed 18316707 (cited by Illumina Laboratory Services, Illumina).

NM_002775.5(HTRA1):c.176G>C (p.Arg59Pro)

Gene: HTRA1 (HtrA serine peptidase 1; plus strand). Cytogenetic location: 10q26.13.
Variant type: single nucleotide variant.
Coding change: c.176G>C on transcript NM_002775.5 (MANE Select); coding-DNA position 176, G replaced by C.
Protein change: p.Arg59Pro; replaces arginine 59 with proline.
Molecular consequence: missense variant.
Genome position (GRCh38, 1-based): chr10:122,461,828, G>C. VCF-style: chr10-122461828-G-C. GRCh37 (hg19) VCF-style: chr10-124221344-G-C.
Other names: short protein forms R59P.
Identifiers: ClinVar variation 878249 (VCV000878249.9), dbSNP rs1246114252, ClinGen allele CA378605711.